The following is an entry in ClinVar:

NM_007194.4(CHEK2):c.368_369dup (p.Cys124fs)

Gene: CHEK2 (checkpoint kinase 2; minus strand). Cytogenetic location: 22q12.1.
Variant type: Microsatellite.
Coding change: c.368_369dup on transcript NM_007194.4 (MANE Select); coding-DNA positions 368 to 369, 2 bases duplicated (AT; older notation c.368_369dupAT).
Protein change: p.Cys124fs; shifts the reading frame from cysteine 124.
Molecular consequence: frameshift variant.
Genome position (GRCh38, 1-based): chr22:28,725,318-28,725,319, AT duplicated on the plus strand (AT on the coding strand, the reverse complement: CHEK2 is on the minus strand); duplicating any 2 consecutive bases within chr22:28,725,318-28,725,321 gives the same sequence; the c. name uses the placement nearest the transcript's 3' end. VCF-style (leftmost placement, unchanged base first): chr22-28725317-A-AAT. GRCh37 (hg19) VCF-style: chr22-29121305-A-AAT.
Other names: c.495_496AT[3], p.Cys167Ilefs (NM_001005735.3); c.-412_-411AT[3] (NM_001257387.3); c.366_367AT[3], p.Cys124Ilefs (NM_001349956.3, NM_145862.3); short protein forms C167fs, C124fs.
Identifiers: ClinVar variation 1733879 (VCV001733879.3), dbSNP rs2518060139, ClinGen allele CA2580615284.

ClinVar aggregate classification (germline): Pathogenic. Review status: criteria provided, multiple submitters, no conflicts (2 of 4 stars). 2 submissions from 2 submitters: Pathogenic (2). Last evaluated 2025-05-19.

Conditions:
Hereditary cancer-predisposing syndrome. Also called: Neoplastic Syndromes, Hereditary; Tumor predisposition; Hereditary Cancer Syndrome; Hereditary neoplastic syndrome. Identifiers: Orphanet 140162, MedGen C0027672, MeSH D009386, MONDO:0015356.
Familial cancer of breast. Also called: BREAST CANCER, FAMILIAL; Hereditary breast cancer; hereditary breast carcinoma. Identifiers: Orphanet 227535, MedGen C0346153, MONDO:0016419, OMIM 114480. Disease mechanism: loss of function.

Submissions (2):

Myriad Genetics, Inc.
Classification: Pathogenic for Familial cancer of breast. Last evaluated: 2025-05-19. Review status: criteria provided, single submitter. Criteria: Myriad Autosomal Dominant, Autosomal Recessive and X-Linked Classification Criteria (2023). Collection method: clinical testing. Allele origin: unknown.
Comment: This variant is considered pathogenic. This variant creates a frameshift predicted to result in premature protein truncation.

Ambry Genetics
Classification: Pathogenic for Hereditary cancer-predisposing syndrome. Last evaluated: 2022-03-25. Review status: criteria provided, single submitter. Criteria: Ambry Variant Classification Scheme 2023. Collection method: clinical testing. Allele origin: germline.
Comment: The c.368_369dupAT pathogenic mutation, located in coding exon 2 of the CHEK2 gene, results from a duplication of AT at nucleotide position 368, causing a translational frameshift with a predicted alternate stop codon (p.C124Ifs*8). This variant is considered to be rare based on population cohorts in the Genome Aggregation Database (gnomAD). This alteration is expected to result in loss of function by premature protein truncation or nonsense-mediated mRNA decay. As such, this alteration is interpreted as a disease-causing mutation.